The following is an entry in ClinVar:

NM_000388.4(CASR):c.655G>T (p.Gly219Trp)

Gene: CASR (calcium sensing receptor; plus strand). Cytogenetic location: 3q21.1.
Variant type: single nucleotide variant.
Coding change: c.655G>T on transcript NM_000388.4 (MANE Select); coding-DNA position 655, G replaced by T.
Protein change: p.Gly219Trp; replaces glycine 219 with tryptophan.
Molecular consequence: missense variant.
Genome position (GRCh38, 1-based): chr3:122,261,690, G>T. VCF-style: chr3-122261690-G-T. GRCh37 (hg19) VCF-style: chr3-121980537-G-T.
Other names: c.655G>T, p.Gly219Trp (NM_001178065.2); short protein forms G219W.
Identifiers: ClinVar variation 1060471 (VCV001060471.9), dbSNP rs2107632049, ClinGen allele CA354151061.

ClinVar aggregate classification (germline): Uncertain significance (1 of 4 stars; one submission).

Conditions:
Autosomal dominant hypocalcemia 1 (HYPOC1). Also called: HYPOCALCEMIA, FAMILIAL. Identifiers: MedGen C3715128, MONDO:0011013, OMIM 601198.
Familial hypocalciuric hypercalcemia (FHH). Also called: Familial benign hypercalcemia. Identifiers: Orphanet 405, MedGen C1809471, MONDO:0018458.

Submission:

Labcorp Genetics (formerly Invitae), Labcorp
Classification: Uncertain significance for Familial hypocalciuric hypercalcemia; Autosomal dominant hypocalcemia 1. Last evaluated: 2020-04-07. Review status: criteria provided, single submitter. Criteria: Invitae Variant Classification Sherloc (09022015). Collection method: clinical testing. Allele origin: germline.
Comment: This variant has not been reported in the literature in individuals with CASR-related conditions. This sequence change replaces glycine with tryptophan at codon 219 of the CASR protein (p.Gly219Trp). The glycine residue is highly conserved and there is a large physicochemical difference between glycine and tryptophan. This variant is not present in population databases (ExAC no frequency). Algorithms developed to predict the effect of missense changes on protein structure and function (SIFT, PolyPhen-2, Align-GVGD) all suggest that this variant is likely to be disruptive, but these predictions have not been confirmed by published functional studies and their clinical significance is uncertain. In summary, the available evidence is currently insufficient to determine the role of this variant in disease. Therefore, it has been classified as a Variant of Uncertain Significance.